The following is an entry in ClinVar:

ClinVar aggregate classification (germline): Conflicting classifications of pathogenicity. Review status: criteria provided, conflicting classifications (1 of 4 stars). 3 submissions from 3 submitters: Uncertain significance (1); Benign (1); Likely benign (1). Last evaluated 2026-01-19.

Allele frequency attached by ClinVar (database versions not stated): gnomAD 0.00005; gnomAD exomes 0.00007 and 0.00018; TOPMed 0.00007; 1000 Genomes Project 30x 0.00016; ExAC 0.00017; ESP Exome Variant Server 0.00023.
gnomAD v4.1: 112 of 1,608,382 alleles (0.007%); highest among the groups gnomAD compares: East Asian, 0.11%; 1 homozygote.

Submissions (3):

Labcorp Genetics (formerly Invitae), Labcorp
Classification: Benign. Last evaluated: 2026-01-19. Review status: criteria provided, single submitter. Criteria: Invitae Variant Classification Sherloc (09022015). Collection method: clinical testing. Allele origin: germline.

CeGaT Center for Human Genetics Tuebingen
Classification: Likely benign. Last evaluated: 2022-10-01. Review status: criteria provided, single submitter. Criteria: CeGaT Center For Human Genetics Tuebingen Variant Classification Criteria Version 2. Collection method: clinical testing. Allele origin: germline. Affected: yes. Observed: 1 variant allele.
Comment: PCNT: BP4, BP7

Genetic Services Laboratory, University of Chicago
Classification: Uncertain significance. Last evaluated: 2014-10-20. Review status: criteria provided, single submitter. Criteria: ACMG Guidelines, 2015. Collection method: clinical testing. Allele origin: germline.

NM_006031.6(PCNT):c.6141C>T (p.Asp2047=)

Gene: PCNT (pericentrin; plus strand). Cytogenetic location: 21q22.3.
Variant type: single nucleotide variant.
Coding change: c.6141C>T on transcript NM_006031.6 (MANE Select); coding-DNA position 6141, C replaced by T.
Protein change: p.Asp2047=; no amino-acid change (aspartic acid 2047 retained).
Molecular consequence: synonymous variant.
Genome position (GRCh38, 1-based): chr21:46,412,983, C>T. VCF-style: chr21-46412983-C-T. GRCh37 (hg19) VCF-style: chr21-47832897-C-T.
Other names: c.5787C>T, p.Asp1929= (NM_001315529.2).
Identifiers: ClinVar variation 211870 (VCV000211870.36), dbSNP rs144445891, ClinGen allele CA207531.